The following is an entry in ClinVar:

ClinVar aggregate classification (germline): Uncertain significance (1 of 4 stars; one submission).

Allele frequency attached by ClinVar (database versions not stated): gnomAD exomes below 0.00001; TOPMed below 0.00001.
gnomAD v4.1: 1 of 1,612,976 alleles (0.000062%); highest among the groups gnomAD compares: Admixed American, 0.0017%; no homozygotes.

Submission:

Labcorp Genetics (formerly Invitae), Labcorp
Classification: Uncertain significance. Last evaluated: 2021-08-14. Review status: criteria provided, single submitter. Criteria: Invitae Variant Classification Sherloc (09022015). Collection method: clinical testing. Allele origin: germline.
Comment: This sequence change replaces histidine with leucine at codon 768 of the ADAMTSL4 protein (p.His768Leu). The histidine residue is highly conserved and there is a moderate physicochemical difference between histidine and leucine. This variant is not present in population databases (ExAC no frequency). This variant has not been reported in the literature in individuals affected with ADAMTSL4-related conditions. Algorithms developed to predict the effect of missense changes on protein structure and function (SIFT, PolyPhen-2, Align-GVGD) all suggest that this variant is likely to be disruptive. In summary, the available evidence is currently insufficient to determine the role of this variant in disease. Therefore, it has been classified as a Variant of Uncertain Significance.

NM_019032.6(ADAMTSL4):c.2303A>T (p.His768Leu)

Gene: ADAMTSL4 (ADAMTS like 4; plus strand). Cytogenetic location: 1q21.2.
Variant type: single nucleotide variant.
Coding change: c.2303A>T on transcript NM_019032.6 (MANE Select); coding-DNA position 2303, A replaced by T.
Protein change: p.His768Leu; replaces histidine 768 with leucine.
Molecular consequence: missense variant.
Genome position (GRCh38, 1-based): chr1:150,558,070, A>T. VCF-style: chr1-150558070-A-T. GRCh37 (hg19) VCF-style: chr1-150530546-A-T.
Other names: c.2186A>T, p.His729Leu (NM_001288607.2); c.2372A>T, p.His791Leu (NM_001288608.2); c.2303A>T, p.His768Leu (NM_001378596.1, NM_025008.5); short protein forms H791L, H768L, H729L.
Identifiers: ClinVar variation 1476775 (VCV001476775.5), dbSNP rs1672385391, ClinGen allele CA342314845.